The following is an entry in ClinVar:

ClinVar aggregate classification (germline): Likely pathogenic (1 of 4 stars; one submission).

Conditions:
Non-acquired combined pituitary hormone deficiency with spine abnormalities (CPHD3). Also called: Winkelman Bethge Pfeiffer syndrome; WBP syndrome; Combined pituitary hormone deficiency type 3. Identifiers: Orphanet 231720, MedGen C3489787, MONDO:0009091, OMIM 221750.

Submission:

Natera, Inc.
Classification: Likely pathogenic for Combined pituitary hormone deficiency type 3. Last evaluated: 2024-11-14. Review status: criteria provided, single submitter. Criteria: Natera Variant Classification Schema (03/2026). Collection method: clinical testing. Allele origin: germline.
Comment: The c.622-2A>T variant in LHX3 is a canonical splice acceptor site variant predicted to affect pre-mRNA splicing, which may result in an abnormal transcript and altered protein product. This variant is expected to result in nonsense mediated decay, truncation, or a dysfunctional protein product. This variant is rare in the general population with a frequency below the threshold expected for the associated phenotype(s). Given the available evidence, this variant is classified as Likely Pathogenic.

NM_178138.6(LHX3):c.607-2A>T

Gene: LHX3 (LIM homeobox 3; minus strand). Cytogenetic location: 9q34.3.
Variant type: single nucleotide variant.
Coding change: c.607-2A>T on transcript NM_178138.6 (MANE Select); the canonical splice acceptor site of the intron before coding-DNA position 607, A replaced by T.
Molecular consequence: splice acceptor variant.
Genome position (GRCh38, 1-based): chr9:136,198,822, T>A on the plus strand (A>T on the coding strand, the complement: LHX3 is on the minus strand). VCF-style: chr9-136198822-T-A. GRCh37 (hg19) VCF-style: chr9-139090668-T-A.
Other names: c.622-2A>T (NM_014564.5); c.574-2A>T (NM_001363746.1).
Identifiers: ClinVar variation 4815725 (VCV004815725.1).
Genomic context (GRCh38, chr9:136,198,822, plus strand): 5'-TGCCGGCCGGCGTCCTTCTTCAGCCTCTTCTCCTTGGCCCGGCGGTTCTGGAACCAAACC[T>A]GGGGGCGGGGCGGGGTGAGCGGCCGCCCGGCTCTGCGGGGGCCCCCAAGGCCGCGGGCGG-3'